The following is an entry in ClinVar:

ClinVar aggregate classification (germline): Uncertain significance. Review status: criteria provided, multiple submitters, no conflicts (2 of 4 stars). 2 submissions from 2 submitters: Uncertain significance (2). Last evaluated 2022-06-10.

Conditions:
Duchenne muscular dystrophy (DMD). Also called: Duchenne Muscular Dystrophy (DMD); MUSCULAR DYSTROPHY, PSEUDOHYPERTROPHIC PROGRESSIVE, DUCHENNE TYPE. Identifiers: Orphanet 98896, MedGen C0013264, MONDO:0010679, OMIM 310200.

Submissions (2):

Labcorp Genetics (formerly Invitae), Labcorp
Classification: Uncertain significance for Duchenne muscular dystrophy. Last evaluated: 2022-06-10. Review status: criteria provided, single submitter. Criteria: Invitae Variant Classification Sherloc (09022015). Collection method: clinical testing. Allele origin: germline.
Comment: In summary, the available evidence is currently insufficient to determine the role of this variant in disease. Therefore, it has been classified as a Variant of Uncertain Significance. Algorithms developed to predict the effect of missense changes on protein structure and function (SIFT, PolyPhen-2, Align-GVGD) all suggest that this variant is likely to be disruptive. ClinVar contains an entry for this variant (Variation ID: 289115). This missense change has been observed in individual(s) with clinical features of DMD-related conditions (Invitae). This variant is not present in population databases (gnomAD no frequency). This sequence change replaces leucine, which is neutral and non-polar, with proline, which is neutral and non-polar, at codon 51 of the DMD protein (p.Leu51Pro).

Eurofins Ntd Llc (ga)
Classification: Uncertain significance. Last evaluated: 2016-07-26. Review status: criteria provided, single submitter. Criteria: EGL Classification Definitions 2015. Collection method: clinical testing. Allele origin: germline. Observed: 1 variant allele, 1 hemizygote.

NM_004006.3(DMD):c.152T>C (p.Leu51Pro)

Gene: DMD (dystrophin; minus strand). Cytogenetic location: Xp21.1.
Variant type: single nucleotide variant.
Coding change: c.152T>C on transcript NM_004006.3 (MANE Select); coding-DNA position 152, T replaced by C.
Protein change: p.Leu51Pro; replaces leucine 51 with proline.
Molecular consequence: missense variant. On other transcripts: 5 prime UTR variant (1).
Genome position (GRCh38, 1-based): chrX:32,849,762, A>G on the plus strand (T>C on the coding strand, the complement: DMD is on the minus strand). VCF-style: chrX-32849762-A-G. GRCh37 (hg19) VCF-style: chrX-32867879-A-G.
Other names: c.128T>C, p.Leu43Pro (NM_000109.4); c.140T>C, p.Leu47Pro (NM_004009.3); c.-218T>C (NM_004010.3); short protein forms L51P, L43P, L47P.
Identifiers: ClinVar variation 289115 (VCV000289115.13), dbSNP rs886044089, ClinGen allele CA10606333.
Genomic context (GRCh38, chrX:32,849,762, plus strand): 5'-AACTTTCTTAAAAATAAGTCACATACCAGTTTTTGCCCTGTCAGGCCTTCGAGGAGGTCT[A>G]GGAGGCGCCTCCCATCCTGTAGGTCACTGAAGAGGTTCTCAATATGCTGCTTCCCAAACT-3'
Protein context (NP_003997.2, residues 41-61): FSDLQDGRRL[Leu51Pro]DLLEGLTGQK